The following is an entry in ClinVar:

NM_013276.4(SHPK):c.737A>C (p.Glu246Ala)

Gene: SHPK (sedoheptulokinase; minus strand). Cytogenetic location: 17p13.2.
Variant type: single nucleotide variant.
Coding change: c.737A>C on transcript NM_013276.4 (MANE Select); coding-DNA position 737, A replaced by C.
Protein change: p.Glu246Ala; replaces glutamic acid 246 with alanine.
Molecular consequence: missense variant.
Genome position (GRCh38, 1-based): chr17:3,621,323, T>G on the plus strand (A>C on the coding strand, the complement: SHPK is on the minus strand). VCF-style: chr17-3621323-T-G. GRCh37 (hg19) VCF-style: chr17-3524617-T-G.
Other names: short protein forms E246A.
Identifiers: ClinVar variation 1375082 (VCV001375082.6), dbSNP rs2150870492, ClinGen allele CA397700431.
Genomic context (GRCh38, chr17:3,621,323, plus strand): 5'-GAATAGACAGAGGCCTGTAAATCACCCAAGGCCACTCCCACCTGCGTCCCCTTTGGGATT[T>G]CAAACCACATGTGGGAAGTTCTGCCCGCCACACTGCCAGGCTCGGCGATGTCTGGGAGCA-3'
Protein context (NP_037408.2, residues 236-256): VAGRTSHMWF[Glu246Ala]IPKGTQVGVA

ClinVar aggregate classification (germline): Uncertain significance (1 of 4 stars; one submission).

Submission:

Labcorp Genetics (formerly Invitae), Labcorp
Classification: Uncertain significance. Last evaluated: 2022-10-13. Review status: criteria provided, single submitter. Criteria: Invitae Variant Classification Sherloc (09022015). Collection method: clinical testing. Allele origin: germline.
Comment: This sequence change replaces glutamic acid, which is acidic and polar, with alanine, which is neutral and non-polar, at codon 246 of the SHPK protein (p.Glu246Ala). This variant is not present in population databases (gnomAD no frequency). This variant has not been reported in the literature in individuals affected with SHPK-related conditions. ClinVar contains an entry for this variant (Variation ID: 1375082). Algorithms developed to predict the effect of missense changes on protein structure and function (SIFT, PolyPhen-2, Align-GVGD) all suggest that this variant is likely to be tolerated. In summary, the available evidence is currently insufficient to determine the role of this variant in disease. Therefore, it has been classified as a Variant of Uncertain Significance.